The following is an entry in ClinVar:

ClinVar aggregate classification (germline): Uncertain significance (1 of 4 stars; one submission).

Submission:

Labcorp Genetics (formerly Invitae), Labcorp
Classification: Uncertain significance. Last evaluated: 2025-02-26. Review status: criteria provided, single submitter. Criteria: Invitae Variant Classification Sherloc (09022015). Collection method: clinical testing. Allele origin: germline.
Comment: This sequence change replaces glycine, which is neutral and non-polar, with arginine, which is basic and polar, at codon 278 of the ARID1B protein (p.Gly278Arg). This variant is not present in population databases (gnomAD no frequency). This variant has not been reported in the literature in individuals affected with ARID1B-related conditions. Invitae Evidence Modeling of protein sequence and biophysical properties (such as structural, functional, and spatial information, amino acid conservation, physicochemical variation, residue mobility, and thermodynamic stability) indicates that this missense variant is not expected to disrupt ARID1B protein function with a negative predictive value of 95%. In summary, the available evidence is currently insufficient to determine the role of this variant in disease. Therefore, it has been classified as a Variant of Uncertain Significance.

NM_001374828.1(ARID1B):c.1081G>C (p.Gly361Arg)

Gene: ARID1B (AT-rich interaction domain 1B; plus strand). Cytogenetic location: 6q25.3.
Variant type: single nucleotide variant.
Coding change: c.1081G>C on transcript NM_001374828.1 (MANE Select); coding-DNA position 1081, G replaced by C.
Protein change: p.Gly361Arg; replaces glycine 361 with arginine.
Molecular consequence: missense variant.
Genome position (GRCh38, 1-based): chr6:156,778,761, G>C. VCF-style: chr6-156778761-G-C. GRCh37 (hg19) VCF-style: chr6-157099895-G-C.
Other names: c.1081G>C, p.Gly361Arg (NM_001371656.1, NM_001374820.1, NM_001438482.1 and 9 more transcripts); short protein forms G361R.
Identifiers: ClinVar variation 4763664 (VCV004763664.1).